The following is an entry in ClinVar:

ClinVar aggregate classification (germline): Uncertain significance (1 of 4 stars; one submission).

Submission:

Women's Health and Genetics/Laboratory Corporation of America, LabCorp
Classification: Uncertain significance. Last evaluated: 2023-06-08. Review status: criteria provided, single submitter. Criteria: LabCorp Variant Classification Summary - May 2015. Collection method: clinical testing. Allele origin: germline.
Comment: Variant summary: RHAG c.827C>G (p.Thr276Ser) results in a conservative amino acid change located in the Ammonium transporter AmtB-like domain (IPR024041) of the encoded protein sequence. Three of five in-silico tools predict a damaging effect of the variant on protein function. The variant was absent in 251402 control chromosomes (gnomAD). The available data on variant occurrences in the general population are insufficient to allow any conclusion about variant significance. To our knowledge, no occurrence of c.827C>G in individuals affected with Rh-Null, Regulator Type and no experimental evidence demonstrating its impact on protein function have been reported. No clinical diagnostic laboratories have submitted clinical-significance assessments for this variant to ClinVar after 2014. Based on the evidence outlined above, the variant was classified as uncertain significance.

NM_000324.3(RHAG):c.827C>G (p.Thr276Ser)

Gene: RHAG (Rh associated glycoprotein; minus strand). Cytogenetic location: 6p12.3.
Variant type: single nucleotide variant.
Coding change: c.827C>G on transcript NM_000324.3 (MANE Select); coding-DNA position 827, C replaced by G.
Protein change: p.Thr276Ser; replaces threonine 276 with serine.
Molecular consequence: missense variant.
Genome position (GRCh38, 1-based): chr6:49,612,515, G>C on the plus strand (C>G on the coding strand, the complement: RHAG is on the minus strand). VCF-style: chr6-49612515-G-C. GRCh37 (hg19) VCF-style: chr6-49580228-G-C.
Other names: short protein forms T276S.
Identifiers: ClinVar variation 2573392 (VCV002573392.1), dbSNP rs1445694173, ClinGen allele CA364398562.